The following is an entry in ClinVar:

NM_001999.4(FBN2):c.7327T>C (p.Tyr2443His)

Gene: FBN2 (fibrillin 2; minus strand). Cytogenetic location: 5q23.3.
Variant type: single nucleotide variant.
Coding change: c.7327T>C on transcript NM_001999.4 (MANE Select); coding-DNA position 7327, T replaced by C.
Protein change: p.Tyr2443His; replaces tyrosine 2443 with histidine.
Molecular consequence: missense variant.
Genome position (GRCh38, 1-based): chr5:128,278,653, A>G on the plus strand (T>C on the coding strand, the complement: FBN2 is on the minus strand). VCF-style: chr5-128278653-A-G. GRCh37 (hg19) VCF-style: chr5-127614345-A-G.
Other names: short protein forms Y2443H.
Identifiers: ClinVar variation 3277964 (VCV003277964.1).

ClinVar aggregate classification (germline): Uncertain significance (1 of 4 stars; one submission).

Conditions:
Familial thoracic aortic aneurysm and aortic dissection (TAAD). Also called: Thoracic aortic aneurysms and dissections. Identifiers: Orphanet 91387, MedGen C4707243, MONDO:0019625.

Submission:

Ambry Genetics
Classification: Uncertain significance for Familial thoracic aortic aneurysm and aortic dissection. Last evaluated: 2024-04-18. Review status: criteria provided, single submitter. Criteria: Ambry Variant Classification Scheme 2023. Collection method: clinical testing. Allele origin: germline.
Comment: The p.Y2443H variant (also known as c.7327T>C), located in coding exon 57 of the FBN2 gene, results from a T to C substitution at nucleotide position 7327. The tyrosine at codon 2443 is replaced by histidine, an amino acid with similar properties. This amino acid position is highly conserved in available vertebrate species. In addition, this alteration is predicted to be deleterious by in silico analysis. Based on the available evidence, the clinical significance of this variant remains unclear.